The following is an entry in ClinVar:

NM_003384.3(VRK1):c.266G>A (p.Arg89Gln)

Gene: VRK1 (VRK serine/threonine kinase 1; plus strand). Cytogenetic location: 14q32.2.
Variant type: single nucleotide variant.
Coding change: c.266G>A on transcript NM_003384.3 (MANE Select); coding-DNA position 266, G replaced by A.
Protein change: p.Arg89Gln; replaces arginine 89 with glutamine.
Molecular consequence: missense variant.
Genome position (GRCh38, 1-based): chr14:96,846,144, G>A. VCF-style: chr14-96846144-G-A. GRCh37 (hg19) VCF-style: chr14-97312481-G-A.
Other names: short protein forms R89Q.
Identifiers: ClinVar variation 197213 (VCV000197213.29), dbSNP rs773138218, ClinGen allele CA245220.

ClinVar aggregate classification (germline): Conflicting classifications of pathogenicity. Review status: criteria provided, conflicting classifications (1 of 4 stars). 9 submissions from 9 submitters: Pathogenic (2); Likely pathogenic (5); Uncertain significance (1). 1 of the submissions does not count toward it. Last evaluated 2026-03-18.

Conditions:
Inborn genetic diseases. Identifiers: MedGen C0950123, MeSH D030342.
Neuronopathy, distal hereditary motor, autosomal recessive 10 (HMNR10). Also called: NEUROPATHY, DISTAL HEREDITARY MOTOR, AUTOSOMAL RECESSIVE 10; VRK1-RELATED MOTOR NEURON DISEASE. Identifiers: MedGen C5882703, MONDO:0957876, OMIM 620542.
Pontocerebellar hypoplasia type 1A (PCH1A). Also called: PONTOCEREBELLAR HYPOPLASIA WITH ANTERIOR HORN CELL DISEASE; PONTOCEREBELLAR HYPOPLASIA WITH INFANTILE SPINAL MUSCULAR ATROPHY. Identifiers: Orphanet 2254, Orphanet 88616, MedGen C1843504, MONDO:0011866, OMIM 607596.

Allele frequency attached by ClinVar (database versions not stated): ExAC 0.00001; gnomAD 0.00001; gnomAD exomes 0.00001 and 0.00003; TOPMed 0.00002.
gnomAD v4.1: 11 of 1,613,200 alleles (0.00068%); highest among the groups gnomAD compares: Admixed American, 0.015%; no homozygotes.

Submissions (9):

Ambry Genetics
Classification: Likely pathogenic for Inborn genetic diseases. Last evaluated: 2026-03-18. Review status: criteria provided, single submitter. Criteria: Ambry Variant Classification Scheme 2023. Collection method: clinical testing. Allele origin: germline.
Comment: The c.266G>A (p.R89Q) alteration is located in exon 4 (coding exon 3) of the VRK1 gene. This alteration results from a G to A substitution at nucleotide position 266, causing the arginine (R) at amino acid position 89 to be replaced by a glutamine (Q). Based on data from gnomAD, the A allele has an overall frequency of 0.003% (8/251114) total alleles studied. The highest observed frequency was 0.023% (8/34566) of Latino alleles. This variant has been identified in the homozygous state and in conjunction with other VRK1 variant(s) in individual(s) with features consistent with VRK1-related distal hereditary motor neuropathy; in at least one instance, the variants were identified in trans (Gonzaga-Jauregui, 2013, external communication). This amino acid position is highly conserved in available vertebrate species. In an assay testing VRK1 function, this variant showed a functionally abnormal result (Mart&iacute;n-Doncel, 2019). This alteration is predicted to be tolerated by in silico analysis. Based on the available evidence, this alteration is classified as likely pathogenic.

Labcorp Genetics (formerly Invitae), Labcorp
Classification: Pathogenic for Pontocerebellar hypoplasia type 1A. Last evaluated: 2025-06-15. Review status: criteria provided, single submitter. Criteria: Invitae Variant Classification Sherloc (09022015). Collection method: clinical testing. Allele origin: germline.
Comment: This sequence change replaces arginine, which is basic and polar, with glutamine, which is neutral and polar, at codon 89 of the VRK1 protein (p.Arg89Gln). This variant is present in population databases (rs773138218, gnomAD 0.02%). This missense change has been observed in individuals with VRK1-related conditions (PMID: 24126608; internal data). It has also been observed to segregate with disease in related individuals. ClinVar contains an entry for this variant (Variation ID: 197213). An algorithm developed to predict the effect of missense changes on protein structure and function (PolyPhen-2) suggests that this variant is likely to be disruptive. For these reasons, this variant has been classified as Pathogenic.

3billion
Classification: Likely pathogenic for Neuronopathy, distal hereditary motor, autosomal recessive 10. Last evaluated: 2025-02-26. Review status: criteria provided, single submitter. Criteria: ACMG Guidelines, 2015. Collection method: clinical testing. Allele origin: germline. Affected: yes.
Comment: The variant is observed at an extremely low frequency in the gnomAD v4.1.0 dataset (total allele frequency: <0.001%). Predicted Consequence/Location: Missense variant. The majority of the known disease-causing variants of this gene are variants expected to result in premature termination of the protein. In silico tool predictions suggest damaging effect of the variant on gene or gene product [REVEL: 0.74 (>=0.6, sensitivity 0.68 and specificity 0.92); 3Cnet: 0.69 (> 0.75, sensitivity 0.96 and precision 0.92)]. The same nucleotide change resulting in the same amino acid change has been previously reported as pathogenic/likely pathogenic with strong evidence (ClinVar ID: VCV000197213 /PMID: 24126608). The variant has been reported to co-segregate with the disease in at least one similarly affected relative/individual in the same family or similarly affected unrelated families (PMID: 24126608). A different missense change at the same codon (p.Arg89Pro) has been reported to be associated with VRK1-related disorder (ClinVar ID: VCV000425052). Therefore, this variant is classified as Likely pathogenic according to the recommendation of ACMG/AMP guideline.

GeneDx
Classification: Likely pathogenic. Last evaluated: 2024-05-22. Review status: criteria provided, single submitter. Criteria: GeneDx Variant Classification Process June 2021. Collection method: clinical testing. Allele origin: germline. Affected: yes.
Comment: Published functional studies demonstrate a damaging effect with dramatically elevated phosphorylation activity (PMID: 31527692); Missense variants in this gene are a common cause of disease and they are underrepresented in the general population; In silico analysis supports that this missense variant has a deleterious effect on protein structure/function; This variant is associated with the following publications: (PMID: 24970098, 27281532, 26583493, 25609612, 24126608, 31527692)

Daryl Scott Lab, Baylor College of Medicine
Classification: Likely pathogenic for Pontocerebellar hypoplasia type 1A. Last evaluated: 2024-01-01. Review status: criteria provided, single submitter. Criteria: ACMG Guidelines, 2015. Collection method: clinical testing. Allele origin: biparental. Affected: yes. Observed: 1 homozygote.
Comment: PS4, PM2, PM3, PP3

Revvity Omics, Revvity
Classification: Likely pathogenic. Last evaluated: 2019-07-12. Review status: criteria provided, single submitter. Criteria: ACMG Guidelines, 2015. Collection method: clinical testing. Allele origin: germline.

Eurofins Ntd Llc (ga)
Classification: Uncertain significance. Last evaluated: 2015-04-21. Review status: criteria provided, single submitter. Criteria: EGL Classification Definitions 2015. Collection method: clinical testing. Allele origin: germline. Observed: 1 variant allele, 1 heterozygote.

Lupski Lab, Baylor-Hopkins CMG, Baylor College of Medicine
Classification: Pathogenic for Pontocerebellar hypoplasia type 1A. Last evaluated: 2013-10-14. Review status: criteria provided, single submitter. Criteria: Gonzaga-Jauregui et al. (JAMA Neurol 2013). Collection method: research. Allele origin: paternal. Inheritance: Autosomal recessive inheritance. Affected: yes. Observed: 2 variant alleles, 2 compound heterozygotes.
Comment: Segregates with the phenotype in affected family

This pathogenic variant was reported in trans with pathogenic NM_003384:c.706G>A in two siblings with pontocerebellar hypoplasia type 1A.

OMIM
Classification: Pathogenic for NEURONOPATHY, DISTAL HEREDITARY MOTOR, AUTOSOMAL RECESSIVE 10. Last evaluated: 2013-12-01. Review status: no assertion criteria provided. Collection method: literature only. Allele origin: germline. Not counted in ClinVar's aggregate classification.

Literature cited by the submitters: PubMed 24126608 (cited by 4 submitters); PubMed 31527692 (cited by Ambry Genetics).